The following is an entry in ClinVar:

NM_201253.3(CRB1):c.604C>T (p.Leu202Phe)

Gene: CRB1 (crumbs cell polarity complex component 1; plus strand). Cytogenetic location: 1q31.3.
Variant type: single nucleotide variant.
Coding change: c.604C>T on transcript NM_201253.3 (MANE Select); coding-DNA position 604, C replaced by T.
Protein change: p.Leu202Phe; replaces leucine 202 with phenylalanine.
Molecular consequence: missense variant. On other transcripts: non-coding transcript variant (2).
Genome position (GRCh38, 1-based): chr1:197,328,955, C>T. VCF-style: chr1-197328955-C-T. GRCh37 (hg19) VCF-style: chr1-197298085-C-T.
Other names: c.604C>T, p.Leu202Phe (NM_001193640.2, NM_001257966.2); c.397C>T, p.Leu133Phe (NM_001257965.2); short protein forms L202F, L133F.
Identifiers: ClinVar variation 1897432 (VCV001897432.5), dbSNP rs2465032688, ClinGen allele CA344081656.

ClinVar aggregate classification (germline): Uncertain significance (1 of 4 stars; one submission).

Conditions:
Retinitis pigmentosa 12 (RP12). Also called: RP WITH OR WITHOUT PRESERVED PARAARTERIOLE RETINAL PIGMENT EPITHELIUM; RETINITIS PIGMENTOSA WITH OR WITHOUT PARAARTERIOLAR PRESERVATION OF RETINAL PIGMENT EPITHELIUM; RP WITH OR WITHOUT PPRPE. Identifiers: Orphanet 791, MedGen C1838647, MONDO:0010818, OMIM 600105.
Leber congenital amaurosis 8 (LCA8). Identifiers: Orphanet 65, MedGen C3151202, MONDO:0013453, OMIM 613835.

Submission:

Labcorp Genetics (formerly Invitae), Labcorp
Classification: Uncertain significance for Leber congenital amaurosis 8; Retinitis pigmentosa 12. Last evaluated: 2022-11-01. Review status: criteria provided, single submitter. Criteria: Invitae Variant Classification Sherloc (09022015). Collection method: clinical testing. Allele origin: germline.
Comment: In summary, the available evidence is currently insufficient to determine the role of this variant in disease. Therefore, it has been classified as a Variant of Uncertain Significance. Advanced modeling of protein sequence and biophysical properties (such as structural, functional, and spatial information, amino acid conservation, physicochemical variation, residue mobility, and thermodynamic stability) has been performed at Invitae for this missense variant, however the output from this modeling did not meet the statistical confidence thresholds required to predict the impact of this variant on CRB1 protein function. This variant has not been reported in the literature in individuals affected with CRB1-related conditions. This variant is not present in population databases (gnomAD no frequency). This sequence change replaces leucine, which is neutral and non-polar, with phenylalanine, which is neutral and non-polar, at codon 202 of the CRB1 protein (p.Leu202Phe).